The following is an entry in ClinVar:

NM_006269.2(RP1):c.408C>G (p.His136Gln)

Gene: RP1 (RP1 axonemal microtubule associated; plus strand). Cytogenetic location: 8q12.1.
Variant type: single nucleotide variant.
Coding change: c.408C>G on transcript NM_006269.2 (MANE Select); coding-DNA position 408, C replaced by G.
Protein change: p.His136Gln; replaces histidine 136 with glutamine.
Molecular consequence: missense variant.
Genome position (GRCh38, 1-based): chr8:54,621,374, C>G. VCF-style: chr8-54621374-C-G. GRCh37 (hg19) VCF-style: chr8-55533934-C-G.
Other names: c.408C>G, p.His136Gln (NM_001375654.1); short protein forms H136Q.
Identifiers: ClinVar variation 1018739 (VCV001018739.9), dbSNP rs770826448, ClinGen allele CA4751147.

ClinVar aggregate classification (germline): Uncertain significance. Review status: criteria provided, multiple submitters, no conflicts (2 of 4 stars). 2 submissions from 2 submitters: Uncertain significance (2). Last evaluated 2024-04-10.

Allele frequency attached by ClinVar (database versions not stated): gnomAD exomes below 0.00001; ExAC 0.00001.
gnomAD v4.1: 1 of 1,612,812 alleles (0.000062%); highest among the groups gnomAD compares: East Asian, 0.0022%; no homozygotes.

Submissions (2):

Labcorp Genetics (formerly Invitae), Labcorp
Classification: Uncertain significance. Last evaluated: 2024-04-10. Review status: criteria provided, single submitter. Criteria: Invitae Variant Classification Sherloc (09022015). Collection method: clinical testing. Allele origin: germline.
Comment: This sequence change replaces histidine, which is basic and polar, with glutamine, which is neutral and polar, at codon 136 of the RP1 protein (p.His136Gln). This variant is not present in population databases (gnomAD no frequency). This variant has not been reported in the literature in individuals affected with RP1-related conditions. ClinVar contains an entry for this variant (Variation ID: 1018739). Algorithms developed to predict the effect of missense changes on protein structure and function output the following: SIFT: "Not Available"; PolyPhen-2: "Benign"; Align-GVGD: "Not Available". The glutamine amino acid residue is found in multiple mammalian species, which suggests that this missense change does not adversely affect protein function. In summary, the available evidence is currently insufficient to determine the role of this variant in disease. Therefore, it has been classified as a Variant of Uncertain Significance.

Blueprint Genetics
Classification: Uncertain significance. Last evaluated: 2023-12-09. Review status: criteria provided, single submitter. Criteria: ACMG Guidelines, 2015. Collection method: clinical testing. Allele origin: germline.